The following is an entry in ClinVar:

ClinVar aggregate classification (germline): Pathogenic. Review status: criteria provided, multiple submitters, no conflicts (2 of 4 stars). 2 submissions from 2 submitters: Pathogenic (2). Last evaluated 2025-10-09.

Conditions:
Curry-Hall syndrome (WAD). Also called: WEYERS ACRODENTAL DYSOSTOSIS. Identifiers: Orphanet 952, MedGen C0457013, MONDO:0008673, OMIM 193530.
Ellis-van Creveld syndrome (EVC). Also called: MESOECTODERMAL DYSPLASIA; Chondroectodermal dysplasia. Identifiers: Orphanet 289, MedGen C0013903, MONDO:0009162, OMIM 225500.

gnomAD v4.1: 2 of 1,612,972 alleles (0.00012%); highest among the groups gnomAD compares: Non-Finnish European, 0.00017%; no homozygotes.

Submissions (2):

Dasa
Classification: Pathogenic. Last evaluated: 2025-10-09. Review status: criteria provided, single submitter. Criteria: DASA Assertion Criteria. Collection method: clinical testing. Allele origin: germline.
Comment: NM_153717.3(EVC):c.1501C>T (p.Gln501*) introduces a premature stop codon predicted to result in truncated protein or nonsense-mediated mRNA decay. Loss-of-function is an established mechanism of disease for this gene. The variant has been reported in individuals with Ellis-van Creveld syndrome when present with another pathogenic variant (PMID: 23220543) and is present at low frequency in population datasets. Based on the available data, this variant is classified as pathogenic.

Labcorp Genetics (formerly Invitae), Labcorp
Classification: Pathogenic for Curry-Hall syndrome; Ellis-van Creveld syndrome. Last evaluated: 2021-03-16. Review status: criteria provided, single submitter. Criteria: Invitae Variant Classification Sherloc (09022015). Collection method: clinical testing. Allele origin: germline.
Comment: For these reasons, this variant has been classified as Pathogenic. This variant has been observed in individual(s) with Ellis-van Creveld syndrome (PMID: 23220543). This variant is not present in population databases (ExAC no frequency). This sequence change creates a premature translational stop signal (p.Gln501*) in the EVC gene. It is expected to result in an absent or disrupted protein product. Loss-of-function variants in EVC are known to be pathogenic (PMID: 23220543).

Literature cited by the submitters: PubMed 23220543 (cited by Dasa and Labcorp Genetics (formerly Invitae), Labcorp).

NM_153717.3(EVC):c.1501C>T (p.Gln501Ter)

Gene: EVC (EvC ciliary complex subunit 1; plus strand). Cytogenetic location: 4p16.2.
Variant type: single nucleotide variant.
Coding change: c.1501C>T on transcript NM_153717.3 (MANE Select); coding-DNA position 1501, C replaced by T.
Protein change: p.Gln501Ter; replaces glutamine 501 with a stop codon.
Molecular consequence: nonsense.
Genome position (GRCh38, 1-based): chr4:5,756,300, C>T. VCF-style: chr4-5756300-C-T. GRCh37 (hg19) VCF-style: chr4-5758027-C-T.
Other names: c.1501C>T, p.Gln501Ter (NM_001306090.2, NM_001306092.2); short protein forms Q501*.
Identifiers: ClinVar variation 1458525 (VCV001458525.10), dbSNP rs373088008, ClinGen allele CA356157481.